The following is an entry in ClinVar:

ClinVar aggregate classification (germline): Uncertain significance. Review status: criteria provided, single submitter (1 of 4 stars). 2 submissions from 2 submitters: Uncertain significance (1). 1 of the submissions does not count toward it. Last evaluated 2026-03-23.

Conditions:
Cerebellar atrophy with seizures and variable developmental delay. Identifiers: MedGen C5193132, MONDO:0032788, OMIM 618501.

Allele frequency attached by ClinVar (database versions not stated): gnomAD exomes below 0.00001.
gnomAD v4.1: 1 of 1,612,074 alleles (0.000062%); highest among the groups gnomAD compares: Non-Finnish European, 0.000085%; no homozygotes.

Submissions (2):

GeneDx
Classification: Uncertain significance. Last evaluated: 2026-03-23. Review status: criteria provided, single submitter. Criteria: GeneDx Variant Classification Process June 2021. Collection method: clinical testing. Allele origin: germline.
Comment: Not observed at significant frequency in large population cohorts (gnomAD); In silico analysis supports that this missense variant has a deleterious effect on protein structure/function; This variant is associated with the following publications: (PMID: 31402629, 39161180, 30410802)

OMIM
Classification: Pathogenic for CEREBELLAR ATROPHY WITH SEIZURES AND VARIABLE DEVELOPMENTAL DELAY. Last evaluated: 2019-07-22. Review status: no assertion criteria provided. Collection method: literature only. Allele origin: germline. Not counted in ClinVar's aggregate classification.

Literature cited by the submitters: PubMed 30410802 (cited by OMIM).

NM_006030.4(CACNA2D2):c.3137T>C (p.Leu1046Pro)

Genes: CACNA2D2 (calcium voltage-gated channel auxiliary subunit alpha2delta 2; minus strand), LOC127898564 (CYB561D2-LOC101928965; plus strand). Cytogenetic location: 3p21.31.
Variant type: single nucleotide variant.
Coding change: c.3137T>C on transcript NM_006030.4 (MANE Select); coding-DNA position 3137, T replaced by C.
Protein change: p.Leu1046Pro; replaces leucine 1046 with proline.
Molecular consequence: missense variant.
Genome position (GRCh38, 1-based): chr3:50,365,146, A>G on the plus strand (T>C on the coding strand, the complement: CACNA2D2 is on the minus strand). VCF-style: chr3-50365146-A-G. GRCh37 (hg19) VCF-style: chr3-50402577-A-G.
Other names: c.3137T>C, p.Leu1046Pro (NM_001005505.3); c.3158T>C, p.Leu1053Pro (NM_001174051.3); c.2930T>C, p.Leu977Pro (NM_001291101.1); short protein forms L1046P, L1053P, L977P.
Identifiers: ClinVar variation 637020 (VCV000637020.2), dbSNP rs1575578837, ClinGen allele CA352900737.